The following is an entry in ClinVar:

NM_004006.3(DMD):c.3365A>C (p.Glu1122Ala)

Gene: DMD (dystrophin; minus strand). Cytogenetic location: Xp21.1.
Variant type: single nucleotide variant.
Coding change: c.3365A>C on transcript NM_004006.3 (MANE Select); coding-DNA position 3365, A replaced by C.
Protein change: p.Glu1122Ala; replaces glutamic acid 1122 with alanine.
Molecular consequence: missense variant.
Genome position (GRCh38, 1-based): chrX:32,463,506, T>G on the plus strand (A>C on the coding strand, the complement: DMD is on the minus strand). VCF-style: chrX-32463506-T-G. GRCh37 (hg19) VCF-style: chrX-32481623-T-G.
Other names: c.3341A>C, p.Glu1114Ala (NM_000109.4); c.3353A>C, p.Glu1118Ala (NM_004009.3); c.2996A>C, p.Glu999Ala (NM_004010.3); short protein forms E1118A, E999A, E1114A, E1122A.
Identifiers: ClinVar variation 2859126 (VCV002859126.3), dbSNP rs2524514593, ClinGen allele CA412664436.

ClinVar aggregate classification (germline): Uncertain significance (1 of 4 stars; one submission).

Conditions:
Duchenne muscular dystrophy (DMD). Also called: MUSCULAR DYSTROPHY, PSEUDOHYPERTROPHIC PROGRESSIVE, DUCHENNE TYPE; Duchenne Muscular Dystrophy (DMD). Identifiers: Orphanet 98896, MedGen C0013264, MONDO:0010679, OMIM 310200.

Submission:

Labcorp Genetics (formerly Invitae), Labcorp
Classification: Uncertain significance for Duchenne muscular dystrophy. Last evaluated: 2023-04-25. Review status: criteria provided, single submitter. Criteria: Invitae Variant Classification Sherloc (09022015). Collection method: clinical testing. Allele origin: germline.
Comment: This variant is not present in population databases (gnomAD no frequency). This sequence change replaces glutamic acid, which is acidic and polar, with alanine, which is neutral and non-polar, at codon 1122 of the DMD protein (p.Glu1122Ala). This variant has not been reported in the literature in individuals affected with DMD-related conditions. Advanced modeling of protein sequence and biophysical properties (such as structural, functional, and spatial information, amino acid conservation, physicochemical variation, residue mobility, and thermodynamic stability) performed at Invitae indicates that this missense variant is not expected to disrupt DMD protein function. In summary, the available evidence is currently insufficient to determine the role of this variant in disease. Therefore, it has been classified as a Variant of Uncertain Significance.